The following is an entry in ClinVar:

NM_017570.5(OPLAH):c.2260C>T (p.Arg754Cys)

Gene: OPLAH (5-oxoprolinase, ATP-hydrolysing; minus strand). Cytogenetic location: 8q24.3.
Variant type: single nucleotide variant.
Coding change: c.2260C>T on transcript NM_017570.5 (MANE Select); coding-DNA position 2260, C replaced by T.
Protein change: p.Arg754Cys; replaces arginine 754 with cysteine.
Molecular consequence: missense variant.
Genome position (GRCh38, 1-based): chr8:144,055,178, G>A on the plus strand (C>T on the coding strand, the complement: OPLAH is on the minus strand). VCF-style: chr8-144055178-G-A. GRCh37 (hg19) VCF-style: chr8-145110081-G-A.
Other names: c.2260C>T (NM_017570.3); short protein forms R754C.
Identifiers: ClinVar variation 1332904 (VCV001332904.7), dbSNP rs201623019, ClinGen allele CA4931519.

ClinVar aggregate classification (germline): Uncertain significance. Review status: criteria provided, multiple submitters, no conflicts (2 of 4 stars). 3 submissions from 3 submitters: Uncertain significance (3). Last evaluated 2022-03-19.

Conditions:
5-Oxoprolinase deficiency (OPLAHD). Also called: 5-OXOPROLINURIA DUE TO 5-OXOPROLINASE DEFICIENCY. Identifiers: Orphanet 33572, MedGen C0268525, MONDO:0009825, OMIM 260005, HP:0040142.

Allele frequency attached by ClinVar (database versions not stated): ESP Exome Variant Server 0.00016; gnomAD exomes 0.00023.
gnomAD v4.1: 340 of 1,541,104 alleles (0.022%); highest among the groups gnomAD compares: Non-Finnish European, 0.028%; no homozygotes.

Submissions (3):

Fulgent Genetics
Classification: Uncertain significance for 5-Oxoprolinase deficiency. Last evaluated: 2022-03-19. Review status: criteria provided, single submitter. Criteria: ACMG Guidelines, 2015. Collection method: clinical testing. Allele origin: unknown.

Centre of Medical Genetics, University Hospital Muenster
Classification: Uncertain significance. Last evaluated: 2021-12-05. Review status: criteria provided, single submitter. Criteria: ACMG Guidelines, 2015. Collection method: clinical testing. Allele origin: unknown. Affected: yes. Observed: 1 variant allele, 1 heterozygote.
Comment: ACMG categories: PM1,PM2,PP3

Ambry Genetics
Classification: Uncertain significance. Last evaluated: 2021-09-16. Review status: criteria provided, single submitter. Criteria: Ambry Variant Classification Scheme 2023. Collection method: clinical testing. Allele origin: germline.